The following is an entry in ClinVar:

NM_001292063.2(OTOG):c.385+7C>T

Gene: OTOG (otogelin; plus strand). Cytogenetic location: 11p15.1.
Variant type: single nucleotide variant.
Coding change: c.385+7C>T on transcript NM_001292063.2 (MANE Select); 7 bases into the intron after coding-DNA position 385, C replaced by T.
Molecular consequence: intron variant.
Genome position (GRCh38, 1-based): chr11:17,553,218, C>T. VCF-style: chr11-17553218-C-T. GRCh37 (hg19) VCF-style: chr11-17574765-C-T.
Other names: c.421+7C>T (NM_001277269.2).
Identifiers: ClinVar variation 226893 (VCV000226893.18), dbSNP rs139222878, ClinGen allele CA5905345.

ClinVar aggregate classification (germline): Benign. Review status: criteria provided, multiple submitters, no conflicts (2 of 4 stars). 5 submissions from 5 submitters: Benign (5). Last evaluated 2026-01-21.

Conditions:
Autosomal recessive nonsyndromic hearing loss 18B. Also called: Deafness, autosomal recessive 18b. Identifiers: Orphanet 90636, MedGen C3554163, MONDO:0013985, OMIM 614945.

Allele frequency attached by ClinVar (database versions not stated): gnomAD exomes 0.00127; ExAC 0.00142; gnomAD 0.00504 and 0.00540; TOPMed 0.00568; 1000 Genomes Project 30x 0.00609; 1000 Genomes Project 0.00659.
gnomAD v4.1: 1,627 of 1,550,134 alleles (0.1%); highest among the groups gnomAD compares: African/African-American, 1.7%; 18 homozygotes.

Submissions (5):

Labcorp Genetics (formerly Invitae), Labcorp
Classification: Benign. Last evaluated: 2026-01-21. Review status: criteria provided, single submitter. Criteria: Invitae Variant Classification Sherloc (09022015). Collection method: clinical testing. Allele origin: germline.

Fulgent Genetics
Classification: Benign for Autosomal recessive nonsyndromic hearing loss 18B. Last evaluated: 2021-07-30. Review status: criteria provided, single submitter. Criteria: ACMG Guidelines, 2015. Collection method: clinical testing. Allele origin: unknown.

GeneDx
Classification: Benign. Last evaluated: 2018-09-28. Review status: criteria provided, single submitter. Criteria: GeneDx Variant Classification Process June 2021. Collection method: clinical testing. Allele origin: germline. Affected: yes.

Laboratory for Molecular Medicine, Mass General Brigham Personalized Medicine
Classification: Benign. Last evaluated: 2014-11-24. Review status: criteria provided, single submitter. Criteria: LMM Criteria. Collection method: clinical testing. Allele origin: germline. Observed: 3 variant alleles.
Comment: 421+7C>T in intron 4 of OTOG: This variant is not expected to have clinical sign ificance because it is not located within the conserved splice consensus sequenc e. It has been identified in 3.1% (6/194) of Luhya (Kenyan) chromosomes from a b road population by the 1000 Genomes Project (s/SNP; dbSNP rs139222878).

Breakthrough Genomics
Classification: Benign. Review status: criteria provided, single submitter. Criteria: ACMG Guidelines, 2015. Collection method: not provided. Allele origin: germline. Inheritance: Autosomal recessive inheritance. Affected: yes.